The following is an entry in ClinVar:

NM_015450.3(POT1):c.122C>T (p.Thr41Ile)

Gene: POT1 (protection of telomeres 1; minus strand). Cytogenetic location: 7q31.33.
Variant type: single nucleotide variant.
Coding change: c.122C>T on transcript NM_015450.3 (MANE Select); coding-DNA position 122, C replaced by T.
Protein change: p.Thr41Ile; replaces threonine 41 with isoleucine.
Molecular consequence: missense variant. On other transcripts: 5 prime UTR variant (1), non-coding transcript variant (3).
Genome position (GRCh38, 1-based): chr7:124,892,268, G>A on the plus strand (C>T on the coding strand, the complement: POT1 is on the minus strand). VCF-style: chr7-124892268-G-A. GRCh37 (hg19) VCF-style: chr7-124532322-G-A.
Other names: c.-141C>T (NM_001042594.2); short protein forms T41I.
Identifiers: ClinVar variation 572885 (VCV000572885.9), dbSNP rs1563008415, ClinGen allele CA369065938.

ClinVar aggregate classification (germline): Uncertain significance (1 of 4 stars; one submission).

Conditions:
Tumor predisposition syndrome 3 (TPDS3). Also called: Melanoma, cutaneous malignant, susceptibility to, 10; LONG TELOMERE SYNDROME, POT1-RELATED; POT1 Tumor Predisposition; Glioma susceptibility 9. Identifiers: Orphanet 618, MedGen C4014476, MONDO:0014368, OMIM 615848.

Submission:

Labcorp Genetics (formerly Invitae), Labcorp
Classification: Uncertain significance for Tumor predisposition syndrome 3. Last evaluated: 2018-05-07. Review status: criteria provided, single submitter. Criteria: Invitae Variant Classification Sherloc (09022015). Collection method: clinical testing. Allele origin: germline.
Comment: In summary, the available evidence is currently insufficient to determine the role of this variant in disease. Therefore, it has been classified as a Variant of Uncertain Significance. Algorithms developed to predict the effect of missense changes on protein structure and function do not agree on the potential impact of this missense change (SIFT: "Deleterious"; PolyPhen-2: "Probably Damaging"; Align-GVGD: "Class C0"). This variant has not been reported in the literature in individuals with POT1-related disease. This variant is not present in population databases (ExAC no frequency). This sequence change replaces threonine with isoleucine at codon 41 of the POT1 protein (p.Thr41Ile). The threonine residue is highly conserved and there is a moderate physicochemical difference between threonine and isoleucine.